The following is an entry in ClinVar:

NM_006765.4(TUSC3):c.*1944C>T

Gene: TUSC3 (tumor suppressor candidate 3; plus strand). Cytogenetic location: 8p22.
Variant type: single nucleotide variant.
Coding change: c.*1944C>T on transcript NM_006765.4 (MANE Select); 1944 bases downstream of the stop codon, C replaced by T.
Molecular consequence: 3 prime UTR variant.
Genome position (GRCh38, 1-based): chr8:15,766,100, C>T. VCF-style: chr8-15766100-C-T. GRCh37 (hg19) VCF-style: chr8-15623609-C-T.
Other names: c.*1882C>T (NM_178234.2).
Identifiers: ClinVar variation 362337 (VCV000362337.6), dbSNP rs34145513, ClinGen allele CA10627362.
Genomic context (GRCh38, chr8:15,766,100, plus strand): 5'-CACTATAACTAAGATAGATAAGGAGTACTTTACTATACCATATTAGTAAAGGTTTTCTAG[C>T]TCTTATTTTCTAATTTCCTCTGAGCATTTAAAATTACATCCAGTGATAAAAACAATATTT-3'

ClinVar aggregate classification (germline): Benign. Review status: criteria provided, multiple submitters, no conflicts (2 of 4 stars). 2 submissions from 2 submitters: Benign (2). Last evaluated 2018-01-12.

Conditions:
Congenital disorder of glycosylation (CDG). Also called: Carbohydrate-deficient glycoprotein syndrome; Congenital disorders of glycosylation. Identifiers: Orphanet 137, MedGen C0282577, MONDO:0015286.

Allele frequency attached by ClinVar (database versions not stated): 1000 Genomes Project 30x 0.11337; 1000 Genomes Project 0.11522; TOPMed 0.18636; gnomAD 0.21210.

Submissions (2):

Illumina Laboratory Services, Illumina
Classification: Benign for Congenital disorder of glycosylation. Last evaluated: 2018-01-12. Review status: criteria provided, single submitter. Criteria: ICSL Variant Classification Criteria 13 December 2019. Collection method: clinical testing. Allele origin: germline.
Comment: This variant was observed in the ICSL laboratory as part of a predisposition screen in an ostensibly healthy population. It had not been previously curated by ICSL or reported in the Human Gene Mutation Database (HGMD: prior to June 1st, 2018), and was therefore a candidate for classification through an automated scoring system. Utilizing variant allele frequency, disease prevalence and penetrance estimates, and inheritance mode, an automated score was calculated to assess if this variant is too frequent to cause the disease. Based on the score and internal cut-off values, a variant classified as benign is not then subjected to further curation. The score for this variant resulted in a classification of benign for this disease.

Breakthrough Genomics
Classification: Benign. Review status: criteria provided, single submitter. Criteria: ACMG Guidelines, 2015. Collection method: not provided. Allele origin: germline. Inheritance: Autosomal recessive inheritance. Affected: yes.